The following is an entry in ClinVar:

ClinVar aggregate classification (germline): Uncertain significance. Review status: criteria provided, multiple submitters, no conflicts (2 of 4 stars). 3 submissions from 3 submitters: Uncertain significance (3). Last evaluated 2025-09-24.

Conditions:
3-methylglutaconic aciduria type 9. Also called: 3-METHYLGLUTACONIC ACIDURIA, TYPE IX. Identifiers: Orphanet 505216, MedGen C4540171, MONDO:0044724, OMIM 617698.
Inborn genetic diseases. Identifiers: MedGen C0950123, MeSH D030342.

Allele frequency attached by ClinVar (database versions not stated): gnomAD exomes 0.00005 and 0.00016; ExAC 0.00006; ESP Exome Variant Server 0.00008; TOPMed 0.00009.

Submissions (3):

Labcorp Genetics (formerly Invitae), Labcorp
Classification: Uncertain significance. Last evaluated: 2025-09-24. Review status: criteria provided, single submitter. Criteria: Invitae Variant Classification Sherloc (09022015). Collection method: clinical testing. Allele origin: germline.
Comment: This sequence change replaces arginine, which is basic and polar, with cysteine, which is neutral and slightly polar, at codon 448 of the TIMM50 protein (p.Arg448Cys). This variant is present in population databases (rs137968278, gnomAD 0.01%). This variant has not been reported in the literature in individuals affected with TIMM50-related conditions. ClinVar contains an entry for this variant (Variation ID: 1423336). An algorithm developed to predict the effect of missense changes on protein structure and function (PolyPhen-2) suggests that this variant is likely to be tolerated. In summary, the available evidence is currently insufficient to determine the role of this variant in disease. Therefore, it has been classified as a Variant of Uncertain Significance.

Fulgent Genetics
Classification: Uncertain significance for 3-methylglutaconic aciduria type 9. Last evaluated: 2021-10-12. Review status: criteria provided, single submitter. Criteria: ACMG Guidelines, 2015. Collection method: clinical testing. Allele origin: unknown.

Ambry Genetics
Classification: Uncertain significance for Inborn genetic diseases. Last evaluated: 2020-12-07. Review status: criteria provided, single submitter. Criteria: Ambry Variant Classification Scheme 2023. Collection method: clinical testing. Allele origin: germline.
Comment: The c.1342C>T (p.R448C) alteration is located in exon 11 (coding exon 11) of the TIMM50 gene. This alteration results from a C to T substitution at nucleotide position 1342, causing the arginine (R) at amino acid position 448 to be replaced by a cysteine (C). The in silico prediction for the p.R448C alteration is inconclusive. Based on insufficient or conflicting evidence, the clinical significance of this alteration remains unclear.

NM_001001563.5(TIMM50):c.1033C>T (p.Arg345Cys)

Gene: TIMM50 (translocase of inner mitochondrial membrane 50; plus strand). Cytogenetic location: 19q13.2.
Variant type: single nucleotide variant.
Coding change: c.1033C>T on transcript NM_001001563.5 (MANE Select); coding-DNA position 1033, C replaced by T.
Protein change: p.Arg345Cys; replaces arginine 345 with cysteine.
Molecular consequence: missense variant.
Genome position (GRCh38, 1-based): chr19:39,489,791, C>T. VCF-style: chr19-39489791-C-T. GRCh37 (hg19) VCF-style: chr19-39980431-C-T.
Other names: c.694C>T, p.Arg232Cys (NM_001329559.2); c.1342C>T (NM_001001563.1); short protein forms R345C, R232C.
Identifiers: ClinVar variation 1423336 (VCV001423336.6), dbSNP rs137968278, ClinGen allele CA9432057.